The following is an entry in ClinVar:

ClinVar aggregate classification (germline): Uncertain significance (1 of 4 stars; one submission).

Submission:

Labcorp Genetics (formerly Invitae), Labcorp
Classification: Uncertain significance. Last evaluated: 2022-01-02. Review status: criteria provided, single submitter. Criteria: Invitae Variant Classification Sherloc (09022015). Collection method: clinical testing. Allele origin: germline.
Comment: In summary, the available evidence is currently insufficient to determine the role of this variant in disease. Therefore, it has been classified as a Variant of Uncertain Significance. Algorithms developed to predict the effect of missense changes on protein structure and function (SIFT, PolyPhen-2, Align-GVGD) all suggest that this variant is likely to be tolerated. This variant has not been reported in the literature in individuals affected with SULF1-related conditions. This variant is not present in population databases (gnomAD no frequency). This sequence change replaces glutamic acid, which is acidic and polar, with lysine, which is basic and polar, at codon 693 of the SULF1 protein (p.Glu693Lys).

NM_001128205.2(SULF1):c.2077G>A (p.Glu693Lys)

Gene: SULF1 (sulfatase 1; plus strand). Cytogenetic location: 8q13.3.
Variant type: single nucleotide variant.
Coding change: c.2077G>A on transcript NM_001128205.2 (MANE Select); coding-DNA position 2077, G replaced by A.
Protein change: p.Glu693Lys; replaces glutamic acid 693 with lysine.
Molecular consequence: missense variant. On other transcripts: non-coding transcript variant (3).
Genome position (GRCh38, 1-based): chr8:69,628,205, G>A. VCF-style: chr8-69628205-G-A. GRCh37 (hg19) VCF-style: chr8-70540440-G-A.
Other names: c.2077G>A, p.Glu693Lys (NM_001128204.2, NM_001128206.2, NM_001412828.1 and 10 more transcripts); c.1948G>A, p.Glu650Lys (NM_001412832.1, NM_001412838.1, NM_001412839.1 and 1 more transcripts); c.2020G>A, p.Glu674Lys (NM_001412836.1, NM_001412837.1); c.1891G>A, p.Glu631Lys (NM_001412841.1, NM_001412842.1); c.1477G>A, p.Glu493Lys (NM_001412844.1, NM_001412845.1); c.286G>A, p.Glu96Lys (NM_001412846.1); short protein forms E650K, E674K, E631K, E693K, E96K, E493K.
Identifiers: ClinVar variation 1930537 (VCV001930537.5), dbSNP rs2537377001, ClinGen allele CA371230626.